The following is an entry in ClinVar:

NM_178859.4(SLC51B):c.368T>C (p.Val123Ala)

Genes: RASL12 (RAS like family 12; minus strand), SLC51B (SLC51 subunit beta; plus strand). Cytogenetic location: 15q22.31.
Variant type: single nucleotide variant.
Coding change: c.368T>C on transcript NM_178859.4 (MANE Select); coding-DNA position 368, T replaced by C.
Protein change: p.Val123Ala; replaces valine 123 with alanine.
Molecular consequence: missense variant.
Genome position (GRCh38, 1-based): chr15:65,053,145, T>C. VCF-style: chr15-65053145-T-C. GRCh37 (hg19) VCF-style: chr15-65345483-T-C.
Other names: short protein forms V123A.
Identifiers: ClinVar variation 4798119 (VCV004798119.1).
Genomic context (GRCh38, chr15:65,053,145, plus strand): 5'-TGGCCCAGGTGGAACTTGAGTTAAAAGAGAGAGATGTGCTGTCAGTTTTCCTTCCGGATG[T>C]ACCAGAAACTGAGAGCTAGTGAGGGTTCAGAGAAGCCCCATCCTAAGCCAGACACATGAT-3'
Protein context (NP_849190.2, residues 113-128): RDVLSVFLPD[Val123Ala]PETES

ClinVar aggregate classification (germline): Uncertain significance (1 of 4 stars; one submission).

gnomAD v4.1: 16 of 1,614,000 alleles (0.00099%); highest among the groups gnomAD compares: Non-Finnish European, 0.001%; no homozygotes.

Submission:

Labcorp Genetics (formerly Invitae), Labcorp
Classification: Uncertain significance. Last evaluated: 2025-03-05. Review status: criteria provided, single submitter. Criteria: Invitae Variant Classification Sherloc (09022015). Collection method: clinical testing. Allele origin: germline.
Comment: This sequence change replaces valine, which is neutral and non-polar, with alanine, which is neutral and non-polar, at codon 123 of the SLC51B protein (p.Val123Ala). This variant is present in population databases (no rsID available, gnomAD 0.005%). This variant has not been reported in the literature in individuals affected with SLC51B-related conditions. An algorithm developed to predict the effect of missense changes on protein structure and function outputs the following: PolyPhen-2: "Benign". The alanine amino acid residue is found in multiple mammalian species, which suggests that this missense change does not adversely affect protein function. In summary, the available evidence is currently insufficient to determine the role of this variant in disease. Therefore, it has been classified as a Variant of Uncertain Significance.